The following is an entry in ClinVar:

NM_000297.4(PKD2):c.504C>T (p.Val168=)

Genes: PKD2 (polycystin 2, transient receptor potential cation channel; plus strand), LOC129992813 (ATAC-STARR-seq lymphoblastoid silent region 15559; plus strand). Cytogenetic location: 4q22.1.
Variant type: single nucleotide variant.
Coding change: c.504C>T on transcript NM_000297.4 (MANE Select); coding-DNA position 504, C replaced by T.
Protein change: p.Val168=; no amino-acid change (valine 168 retained).
Molecular consequence: synonymous variant. On other transcripts: non-coding transcript variant (1).
Genome position (GRCh38, 1-based): chr4:88,008,237, C>T. VCF-style: chr4-88008237-C-T. GRCh37 (hg19) VCF-style: chr4-88929389-C-T.
Other names: c.504C>T (NM_000297.3).
Identifiers: ClinVar variation 3707451 (VCV003707451.3).
Genomic context (GRCh38, chr4:88,008,237, plus strand): 5'-CCACCCGAGCGGGAGGCGGCGCCGGCGAGAGGACCAGGGCCCGCCGTGCCCCAGCCCAGT[C>T]GGCGGCGGGGACCCGCTGCATCGCCACCTCCCCCTGGAAGGGCAGCCGCCCCGAGTGGCC-3'
Protein context (NP_000288.1, residues 158-178): EDQGPPCPSP[Val168=]GGGDPLHRHL

ClinVar aggregate classification (germline): Likely benign. Review status: criteria provided, multiple submitters, no conflicts (2 of 4 stars). 2 submissions from 2 submitters: Likely benign (2). Last evaluated 2026-02-25.

Conditions:
PKD2-related disorder. Also called: PKD2-related condition.
Autosomal dominant polycystic kidney disease. Identifiers: Orphanet 730, MedGen C0085413, MONDO:0004691.

Submissions (2):

PreventionGenetics, part of Exact Sciences
Classification: Likely benign for PKD2-related condition. Last evaluated: 2026-02-25. Review status: criteria provided, single submitter. Criteria: ACMG Guidelines, 2015. Collection method: clinical testing. Allele origin: germline.
Comment: This variant is classified as likely benign based on ACMG/AMP sequence variant interpretation guidelines (Richards et al. 2015 PMID: 25741868, with internal and published modifications).

Labcorp Genetics (formerly Invitae), Labcorp
Classification: Likely benign for Autosomal dominant polycystic kidney disease. Last evaluated: 2024-12-17. Review status: criteria provided, single submitter. Criteria: Invitae Variant Classification Sherloc (09022015). Collection method: clinical testing. Allele origin: germline.